The following is an entry in ClinVar:

ClinVar aggregate classification (germline): Uncertain significance. Review status: criteria provided, multiple submitters, no conflicts (2 of 4 stars). 2 submissions from 2 submitters: Uncertain significance (2). Last evaluated 2024-02-02.

Allele frequency attached by ClinVar (database versions not stated): gnomAD exomes below 0.00001.
gnomAD v4.1: 4 of 1,612,070 alleles (0.00025%); highest among the groups gnomAD compares: South Asian, 0.0011%; no homozygotes.

Submissions (2):

Quest Diagnostics Nichols Institute San Juan Capistrano
Classification: Uncertain significance. Last evaluated: 2024-02-02. Review status: criteria provided, single submitter. Criteria: Quest Diagnostics criteria. Collection method: clinical testing. Allele origin: unknown.
Comment: The RECQL c.1111A>G (p.Thr371Ala) variant has not been reported in individuals with RECQL-related conditions in the published literature. It also has not been reported in large, multi-ethnic general populations (Genome Aggregation Database). Analysis of this variant using bioinformatics tools for the prediction of the effect of amino acid changes on protein structure and function yielded predictions that this variant is damaging. Based on the available information, we are unable to determine the clinical significance of this variant.

Ambry Genetics
Classification: Uncertain significance. Last evaluated: 2024-01-13. Review status: criteria provided, single submitter. Criteria: Ambry Variant Classification Scheme 2023. Collection method: clinical testing. Allele origin: germline.
Comment: The p.T371A variant (also known as c.1111A>G), located in coding exon 9 of the RECQL gene, results from an A to G substitution at nucleotide position 1111. The threonine at codon 371 is replaced by alanine, an amino acid with similar properties. This amino acid position is conserved. In addition, this alteration is predicted to be deleterious by in silico analysis. Since supporting evidence is limited at this time, the clinical significance of this alteration remains unclear.

NM_002907.4(RECQL):c.1111A>G (p.Thr371Ala)

Gene: RECQL (RecQ like helicase; minus strand). Cytogenetic location: 12p12.1.
Variant type: single nucleotide variant.
Coding change: c.1111A>G on transcript NM_002907.4 (MANE Select); coding-DNA position 1111, A replaced by G.
Protein change: p.Thr371Ala; replaces threonine 371 with alanine.
Molecular consequence: missense variant.
Genome position (GRCh38, 1-based): chr12:21,475,573, T>C on the plus strand (A>G on the coding strand, the complement: RECQL is on the minus strand). VCF-style: chr12-21475573-T-C. GRCh37 (hg19) VCF-style: chr12-21628507-T-C.
Other names: c.1111A>G, p.Thr371Ala (NM_032941.3); short protein forms T371A.
Identifiers: ClinVar variation 2589119 (VCV002589119.3), dbSNP rs2540345229, ClinGen allele CA384120879.